The following is an entry in ClinVar:

NM_022124.6(CDH23):c.9991T>C (p.Ser3331Pro)

Gene: CDH23 (cadherin related 23; plus strand). Cytogenetic location: 10q22.1.
Variant type: single nucleotide variant.
Coding change: c.9991T>C on transcript NM_022124.6 (MANE Select); coding-DNA position 9991, T replaced by C.
Protein change: p.Ser3331Pro; replaces serine 3331 with proline.
Molecular consequence: missense variant.
Genome position (GRCh38, 1-based): chr10:71,815,204, T>C. VCF-style: chr10-71815204-T-C. GRCh37 (hg19) VCF-style: chr10-73574961-T-C.
Other names: c.3271T>C, p.Ser1091Pro (NM_001171933.1); c.3166T>C, p.Ser1056Pro (NM_001171934.1); c.682T>C, p.Ser228Pro (NM_001171935.1); c.577T>C, p.Ser193Pro (NM_001171936.1); short protein forms S1056P, S1091P, S193P, S228P, S3331P.
Identifiers: ClinVar variation 1704795 (VCV001704795.2), dbSNP rs749855152, ClinGen allele CA5547236.

ClinVar aggregate classification (germline): Uncertain significance (1 of 4 stars; one submission).

Allele frequency attached by ClinVar (database versions not stated): TOPMed below 0.00001; gnomAD 0.00001; ExAC 0.00005; 1000 Genomes Project 30x 0.00031.
gnomAD v4.1: 21 of 1,605,906 alleles (0.0013%); highest among the groups gnomAD compares: South Asian, 0.021%; no homozygotes.

Submission:

GeneDx
Classification: Uncertain significance. Last evaluated: 2022-03-10. Review status: criteria provided, single submitter. Criteria: GeneDx Variant Classification Process June 2021. Collection method: clinical testing. Allele origin: germline. Affected: yes.
Comment: In silico analysis supports that this missense variant does not alter protein structure/function; Has not been previously published as pathogenic or benign to our knowledge